The following is an entry in ClinVar:

ClinVar aggregate classification (germline): Uncertain significance (1 of 4 stars; one submission).

Conditions:
Candidiasis, familial, 9 (CANDF9). Identifiers: Orphanet 1334, MedGen C4225324, MONDO:0014642, OMIM 616445.

Allele frequency attached by ClinVar (database versions not stated): gnomAD 0.00002.

Submission:

Labcorp Genetics (formerly Invitae), Labcorp
Classification: Uncertain significance for Candidiasis, familial, 9. Last evaluated: 2022-02-09. Review status: criteria provided, single submitter. Criteria: Invitae Variant Classification Sherloc (09022015). Collection method: clinical testing. Allele origin: germline.
Comment: Algorithms developed to predict the effect of sequence changes on RNA splicing suggest that this variant may disrupt the consensus splice site. This variant has not been reported in the literature in individuals affected with IL17RC-related conditions. This variant is not present in population databases (gnomAD no frequency). This sequence change affects a donor splice site in intron 4 of the IL17RC gene. It is expected to disrupt RNA splicing. Variants that disrupt the donor or acceptor splice site typically lead to a loss of protein function (PMID: 16199547), however the current clinical and genetic evidence is not sufficient to establish whether loss-of-function variants in IL17RC cause disease. In summary, the available evidence is currently insufficient to determine the role of this variant in disease. Therefore, it has been classified as a Variant of Uncertain Significance.

Literature cited by the submitters: PubMed 16199547.

NM_153460.4(IL17RC):c.355+1G>A

Gene: IL17RC (interleukin 17 receptor C; plus strand). Cytogenetic location: 3p25.3.
Variant type: single nucleotide variant.
Coding change: c.355+1G>A on transcript NM_153460.4 (MANE Select); the canonical splice donor site of the intron after coding-DNA position 355, G replaced by A.
Molecular consequence: splice donor variant. On other transcripts: intron variant (1).
Genome position (GRCh38, 1-based): chr3:9,918,410, G>A. VCF-style: chr3-9918410-G-A. GRCh37 (hg19) VCF-style: chr3-9960094-G-A.
Other names: c.568+1G>A (NM_153461.4); c.355+1G>A (NM_001203263.2, NM_001203264.2, NM_001367278.1 and 4 more transcripts); c.281-90G>A (NM_001367279.1).
Identifiers: ClinVar variation 2095371 (VCV002095371.4), dbSNP rs1237087822, ClinGen allele CA351755867.